The following is an entry in ClinVar:

ClinVar aggregate classification (germline): Benign/Likely benign. Review status: criteria provided, multiple submitters, no conflicts (2 of 4 stars). 7 submissions from 7 submitters: Benign (2); Likely benign (4). 1 of the submissions does not count toward it. Last evaluated 2026-02-02.

Conditions:
CFI-related disorder. Also called: CFI-related condition; CFI-related disorders. Identifiers: MedGen CN239325.

Allele frequency attached by ClinVar (database versions not stated): gnomAD exomes 0.00047; ExAC 0.00063; 1000 Genomes Project 30x 0.00141; 1000 Genomes Project 0.00160; ESP Exome Variant Server 0.00200; gnomAD 0.00216 and 0.00236; TOPMed 0.00246.
gnomAD v4.1: 613 of 1,613,802 alleles (0.038%); highest among the groups gnomAD compares: African/African-American, 0.73%; 6 homozygotes.

Submissions (7):

Labcorp Genetics (formerly Invitae), Labcorp
Classification: Likely benign. Last evaluated: 2026-02-02. Review status: criteria provided, single submitter. Criteria: Invitae Variant Classification Sherloc (09022015). Collection method: clinical testing. Allele origin: germline.

Genomenon, Inc
Classification: Benign for CFI-related disorder. Last evaluated: 2025-09-26. Review status: criteria provided, single submitter. Criteria: Genomenon Sequence Variant Interpretation Standards - Updated. Collection method: curation. Allele origin: germline. Affected: no.
Comment: CFI p.His183Arg (c.548A>G) is a missense variant that changes the amino acid at residue 183 from Histidine to Arginine. This variant is present at high allele frequency in population databases. In conclusion, we classify CFI p.His183Arg (c.548A>G) as a benign variant.

Blueprint Genetics
Classification: Likely benign. Last evaluated: 2024-04-11. Review status: criteria provided, single submitter. Criteria: ACMG Guidelines, 2015. Collection method: clinical testing. Allele origin: germline.

Women's Health and Genetics/Laboratory Corporation of America, LabCorp
Classification: Likely benign. Last evaluated: 2023-01-05. Review status: criteria provided, single submitter. Criteria: LabCorp Variant Classification Summary - May 2015. Collection method: clinical testing. Allele origin: germline.
Comment: Variant summary: CFI c.548A>G (p.His183Arg) results in a non-conservative amino acid change located in the SRCR domain (IPR001190) of the encoded protein sequence. Four of five in-silico tools predict a benign effect of the variant on protein function. The variant allele was found at a frequency of 0.00047 in 251390 control chromosomes in the gnomAD database, including 2 homozygotes. This frequency does not allow conclusions about variant significance. c.548A>G has been reported in the literature as a case report in an individual affected with features of atypical Hemolytic Uremic syndrome who also harbored a likely causative variant in the CFH gene (example, Boyer_2008 cited by others). These report(s) do not provide unequivocal conclusions about association of the variant with atypical Hemolytic Uremic syndrome/Complement Factor I Deficiency. At least one publication reports experimental evidence evaluating an impact on protein function. These results showed no damaging effect of this variant as evidenced by normal expression and secretion in supernatants and lysates; slightly increased function in C3b and C4b degradation assays relative to wild-type (example, Nillson_2010 and de Jong_2020). One clinical diagnostic laboratory has submitted clinical-significance assessments for this variant to ClinVar after 2014 without evidence for independent evaluation and classified the variant as likely benign. Based on the evidence outlined above, the variant was classified as likely benign.

Mayo Clinic Laboratories, Mayo Clinic
Classification: Benign. Last evaluated: 2022-09-29. Review status: criteria provided, single submitter. Criteria: ACMG Guidelines, 2015. Collection method: clinical testing. Allele origin: germline. Observed: 17 variant alleles.
Comment: BS1, BS3, BP4

Breakthrough Genomics
Classification: Likely benign. Review status: criteria provided, single submitter. Criteria: ACMG Guidelines, 2015. Collection method: not provided. Allele origin: germline. Inheritance: Autosomal recessive inheritance. Affected: yes.

PreventionGenetics, part of Exact Sciences
Classification: Benign for CFI-related condition. Last evaluated: 2023-12-04. Review status: no assertion criteria provided. Collection method: clinical testing. Allele origin: germline. Not counted in ClinVar's aggregate classification.
Comment: This variant is classified as benign based on ACMG/AMP sequence variant interpretation guidelines (Richards et al. 2015 PMID: 25741868, with internal and published modifications).

Literature cited by the submitters: PubMed 17599974 (cited by Women's Health and Genetics/Laboratory Corporation of America, LabCorp); PubMed 23431077 (cited by Women's Health and Genetics/Laboratory Corporation of America, LabCorp); PubMed 19877009 (cited by Women's Health and Genetics/Laboratory Corporation of America, LabCorp); PubMed 32510551 (cited by Women's Health and Genetics/Laboratory Corporation of America, LabCorp).

NM_000204.5(CFI):c.548A>G (p.His183Arg)

Gene: CFI (complement factor I; minus strand). Cytogenetic location: 4q25.
Variant type: single nucleotide variant.
Coding change: c.548A>G on transcript NM_000204.5 (MANE Select); coding-DNA position 548, A replaced by G.
Protein change: p.His183Arg; replaces histidine 183 with arginine.
Molecular consequence: missense variant. On other transcripts: 5 prime UTR variant (1), non-coding transcript variant (3).
Genome position (GRCh38, 1-based): chr4:109,761,627, T>C on the plus strand (A>G on the coding strand, the complement: CFI is on the minus strand). VCF-style: chr4-109761627-T-C. GRCh37 (hg19) VCF-style: chr4-110682783-T-C.
Other names: p.His183Arg; c.548A>G, p.His183Arg (NM_001318057.2, NM_001331035.2, NM_001375278.1 and 5 more transcripts); c.-62A>G (NM_001375284.1); short protein forms H183R.
Identifiers: ClinVar variation 790553 (VCV000790553.18), dbSNP rs75612300, ClinGen allele CA3042233.